The following is an entry in ClinVar:

ClinVar aggregate classification (germline): Conflicting classifications of pathogenicity. Review status: criteria provided, conflicting classifications (1 of 4 stars). 3 submissions from 3 submitters: Uncertain significance (2); Likely benign (1). Last evaluated 2025-10-17.

Conditions:
Atrioventricular septal defect 5 (AVSD5). Identifiers: MedGen C3280939, MONDO:0013769, OMIM 614474.

Allele frequency attached by ClinVar (database versions not stated): gnomAD 0.00002; gnomAD exomes 0.00002; TOPMed 0.00003; ExAC 0.00004.
gnomAD v4.1: 26 of 1,585,838 alleles (0.0016%); highest among the groups gnomAD compares: Admixed American, 0.01%; no homozygotes.

Submissions (3):

Labcorp Genetics (formerly Invitae), Labcorp
Classification: Uncertain significance for Atrioventricular septal defect 5. Last evaluated: 2025-10-17. Review status: criteria provided, single submitter. Criteria: Invitae Variant Classification Sherloc (09022015). Collection method: clinical testing. Allele origin: germline.
Comment: This sequence change replaces glycine, which is neutral and non-polar, with serine, which is neutral and polar, at codon 168 of the GATA6 protein (p.Gly168Ser). This variant is present in population databases (rs774639835, gnomAD 0.004%). This variant has not been reported in the literature in individuals affected with GATA6-related conditions. ClinVar contains an entry for this variant (Variation ID: 1398435). Invitae Evidence Modeling of protein sequence and biophysical properties (such as structural, functional, and spatial information, amino acid conservation, physicochemical variation, residue mobility, and thermodynamic stability) indicates that this missense variant is not expected to disrupt GATA6 protein function with a negative predictive value of 80%. In summary, the available evidence is currently insufficient to determine the role of this variant in disease. Therefore, it has been classified as a Variant of Uncertain Significance.

Blueprint Genetics
Classification: Likely benign. Last evaluated: 2022-11-28. Review status: criteria provided, single submitter. Criteria: ACMG Guidelines, 2015. Collection method: clinical testing. Allele origin: germline.

Revvity Omics, Revvity
Classification: Uncertain significance. Last evaluated: 2021-08-10. Review status: criteria provided, single submitter. Criteria: ACMG Guidelines, 2015. Collection method: clinical testing. Allele origin: germline.

NM_005257.6(GATA6):c.502G>A (p.Gly168Ser)

Gene: GATA6 (GATA binding protein 6; plus strand). Cytogenetic location: 18q11.2.
Variant type: single nucleotide variant.
Coding change: c.502G>A on transcript NM_005257.6 (MANE Select); coding-DNA position 502, G replaced by A.
Protein change: p.Gly168Ser; replaces glycine 168 with serine.
Molecular consequence: missense variant.
Genome position (GRCh38, 1-based): chr18:22,171,646, G>A. VCF-style: chr18-22171646-G-A. GRCh37 (hg19) VCF-style: chr18-19751607-G-A.
Other names: c.502G>A (NM_005257.4); short protein forms G168S.
Identifiers: ClinVar variation 1398435 (VCV001398435.11), dbSNP rs774639835, ClinGen allele CA8908899.
Genomic context (GRCh38, chr18:22,171,646, plus strand): 5'-TACCAGACCCTCGCCGCTCTCTCCAGCCAGGGTCCGGCCGCCTACGACGGCGCGCCCGGC[G>A]GCTTCGTGCACTCTGCGGCCGCGGCGGCAGCAGCCGCGGCGGCGGCCAGCTCCCCGGTCT-3'
Protein context (NP_005248.2, residues 158-178): GPAAYDGAPG[Gly168Ser]FVHSAAAAAA